The following is an entry in ClinVar:

NM_001161352.2(KCNMA1):c.87C>G (p.Ile29Met)

Gene: KCNMA1 (potassium calcium-activated channel subfamily M alpha 1; minus strand). Cytogenetic location: 10q22.3.
Variant type: single nucleotide variant.
Coding change: c.87C>G on transcript NM_001161352.2 (MANE Select); coding-DNA position 87, C replaced by G.
Protein change: p.Ile29Met; replaces isoleucine 29 with methionine.
Molecular consequence: missense variant.
Genome position (GRCh38, 1-based): chr10:77,637,556, G>C on the plus strand (C>G on the coding strand, the complement: KCNMA1 is on the minus strand). VCF-style: chr10-77637556-G-C. GRCh37 (hg19) VCF-style: chr10-79397314-G-C.
Other names: c.87C>G, p.Ile29Met (NM_001014797.3, NM_001161353.2, NM_001271518.2 and 13 more transcripts); short protein forms I29M.
Identifiers: ClinVar variation 2769731 (VCV002769731.3), dbSNP rs1186030487, ClinGen allele CA377412788.

ClinVar aggregate classification (germline): Uncertain significance (1 of 4 stars; one submission).

Conditions:
Generalized epilepsy-paroxysmal dyskinesia syndrome (PNKD3). Also called: Generalized epilepsy and paroxysmal dyskinesia; Paroxysmal nonkinesigenic dyskinesia, 3, with or without generalized epilepsy. Identifiers: Orphanet 79137, MedGen C5574945, MONDO:0012276, OMIM 609446.

Submission:

Labcorp Genetics (formerly Invitae), Labcorp
Classification: Uncertain significance for Generalized epilepsy-paroxysmal dyskinesia syndrome. Last evaluated: 2023-10-18. Review status: criteria provided, single submitter. Criteria: Invitae Variant Classification Sherloc (09022015). Collection method: clinical testing. Allele origin: germline.
Comment: This sequence change replaces isoleucine, which is neutral and non-polar, with methionine, which is neutral and non-polar, at codon 29 of the KCNMA1 protein (p.Ile29Met). This variant is not present in population databases (gnomAD no frequency). This variant has not been reported in the literature in individuals affected with KCNMA1-related conditions. An algorithm developed to predict the effect of missense changes on protein structure and function (PolyPhen-2) suggests that this variant is likely to be disruptive. In summary, the available evidence is currently insufficient to determine the role of this variant in disease. Therefore, it has been classified as a Variant of Uncertain Significance.